The following is an entry in ClinVar:

NM_000179.3(MSH6):c.959C>A (p.Pro320His)

Gene: MSH6 (mutS homolog 6; plus strand). Cytogenetic location: 2p16.3.
Variant type: single nucleotide variant.
Coding change: c.959C>A on transcript NM_000179.3 (MANE Select); coding-DNA position 959, C replaced by A.
Protein change: p.Pro320His; replaces proline 320 with histidine.
Molecular consequence: missense variant.
Genome position (GRCh38, 1-based): chr2:47,798,942, C>A. VCF-style: chr2-47798942-C-A. GRCh37 (hg19) VCF-style: chr2-48026081-C-A.
Other names: c.569C>A, p.Pro190His (NM_001281492.2); c.53C>A, p.Pro18His (NM_001281493.2, NM_001281494.2); short protein forms P190H, P18H, P320H.
Identifiers: ClinVar variation 823348 (VCV000823348.4), dbSNP rs779022657, ClinGen allele CA346740894.

ClinVar aggregate classification (germline): Uncertain significance (1 of 4 stars; one submission).

Conditions:
Hereditary cancer-predisposing syndrome. Also called: Tumor predisposition; Hereditary Cancer Syndrome; Neoplastic Syndromes, Hereditary; Hereditary neoplastic syndrome. Identifiers: Orphanet 140162, MedGen C0027672, MeSH D009386, MONDO:0015356.

Submission:

Ambry Genetics
Classification: Uncertain significance for Hereditary cancer-predisposing syndrome. Last evaluated: 2019-09-12. Review status: criteria provided, single submitter. Criteria: Ambry Variant Classification Scheme 2023. Collection method: clinical testing. Allele origin: germline.
Comment: The p.P320H variant (also known as c.959C>A), located in coding exon 4 of the MSH6 gene, results from a C to A substitution at nucleotide position 959. The proline at codon 320 is replaced by histidine, an amino acid with similar properties. This amino acid position is poorly conserved in available vertebrate species. In addition, this alteration is predicted to be tolerated by in silico analysis. Since supporting evidence is limited at this time, the clinical significance of this alteration remains unclear.